The following is an entry in ClinVar:

NM_017866.5(TMEM70):c.-468T>C

Gene: TMEM70 (transmembrane protein 70; plus strand). Cytogenetic location: 8q21.11.
Variant type: single nucleotide variant.
Coding change: c.-468T>C on transcript NM_017866.5; 468 bases upstream of the start codon, T replaced by C.
Genome position (GRCh38, 1-based): chr8:73,975,814, T>C. VCF-style: chr8-73975814-T-C. GRCh37 (hg19) VCF-style: chr8-74888049-T-C.
Identifiers: ClinVar variation 684008 (VCV000684008.4), dbSNP rs12682285, ClinGen allele CA12766240.

ClinVar aggregate classification (germline): Benign. Review status: criteria provided, multiple submitters, no conflicts (2 of 4 stars). 2 submissions from 2 submitters: Benign (2). Last evaluated 2018-06-14.

Allele frequency attached by ClinVar (database versions not stated): 1000 Genomes Project 30x 0.48189; 1000 Genomes Project 0.47804; gnomAD 0.48032 and 0.48247; TOPMed 0.48847.

Submissions (2):

GeneDx
Classification: Benign. Last evaluated: 2018-06-14. Review status: criteria provided, single submitter. Criteria: GeneDx Variant Classification (06012015). Collection method: clinical testing. Allele origin: germline. Affected: yes.
Comment: This variant is considered likely benign or benign based on one or more of the following criteria: it is a conservative change, it occurs at a poorly conserved position in the protein, it is predicted to be benign by multiple in silico algorithms, and/or has population frequency not consistent with disease.

Breakthrough Genomics
Classification: Benign. Review status: criteria provided, single submitter. Criteria: ACMG Guidelines, 2015. Collection method: not provided. Allele origin: germline. Inheritance: Autosomal recessive inheritance. Affected: yes.